The following is an entry in ClinVar:

ClinVar aggregate classification (germline): Benign (1 of 4 stars; one submission).

Allele frequency attached by ClinVar (database versions not stated): TOPMed 0.17557; gnomAD 0.17799 and 0.18312; 1000 Genomes Project 30x 0.19550; 1000 Genomes Project 0.20268; gnomAD exomes 0.21831.

Submission:

GeneDx
Classification: Benign. Last evaluated: 2018-06-16. Review status: criteria provided, single submitter. Criteria: GeneDx Variant Classification (06012015). Collection method: clinical testing. Allele origin: germline. Affected: yes.
Comment: This variant is considered likely benign or benign based on one or more of the following criteria: it is a conservative change, it occurs at a poorly conserved position in the protein, it is predicted to be benign by multiple in silico algorithms, and/or has population frequency not consistent with disease.

NM_006031.6(PCNT):c.9274-58dup

Gene: PCNT (pericentrin; plus strand). Cytogenetic location: 21q22.3.
Variant type: Duplication.
Coding change: c.9274-58dup on transcript NM_006031.6 (MANE Select); 58 bases into the intron before coding-DNA position 9274, one base duplicated (T; older notation c.9274-58dupT).
Molecular consequence: intron variant.
Genome position (GRCh38, 1-based): chr21:46,440,025, T duplicated. VCF-style (leftmost placement, unchanged base first): chr21-46440024-C-CT. GRCh37 (hg19) VCF-style: chr21-47859937-C-CT.
Other names: c.8683-58dup (NM_001315529.2).
Identifiers: ClinVar variation 675463 (VCV000675463.1), dbSNP rs78656506, ClinGen allele CA322027111.